The following is an entry in ClinVar:

ClinVar aggregate classification (germline): Uncertain significance (1 of 4 stars; one submission).

Submission:

Labcorp Genetics (formerly Invitae), Labcorp
Classification: Uncertain significance. Last evaluated: 2023-08-31. Review status: criteria provided, single submitter. Criteria: Invitae Variant Classification Sherloc (09022015). Collection method: clinical testing. Allele origin: germline.
Comment: In summary, the available evidence is currently insufficient to determine the role of this variant in disease. Therefore, it has been classified as a Variant of Uncertain Significance. An algorithm developed to predict the effect of missense changes on protein structure and function (PolyPhen-2) suggests that this variant is likely to be tolerated. This variant has not been reported in the literature in individuals affected with LEMD3-related conditions. This variant is not present in population databases (gnomAD no frequency). This sequence change replaces glycine, which is neutral and non-polar, with arginine, which is basic and polar, at codon 58 of the LEMD3 protein (p.Gly58Arg).

NM_014319.5(LEMD3):c.172G>C (p.Gly58Arg)

Gene: LEMD3 (LEM domain containing 3; plus strand). Cytogenetic location: 12q14.3.
Variant type: single nucleotide variant.
Coding change: c.172G>C on transcript NM_014319.5 (MANE Select); coding-DNA position 172, G replaced by C.
Protein change: p.Gly58Arg; replaces glycine 58 with arginine.
Molecular consequence: missense variant.
Genome position (GRCh38, 1-based): chr12:65,169,768, G>C. VCF-style: chr12-65169768-G-C. GRCh37 (hg19) VCF-style: chr12-65563548-G-C.
Other names: c.172G>C, p.Gly58Arg (NM_001167614.2); short protein forms G58R.
Identifiers: ClinVar variation 2831067 (VCV002831067.3), dbSNP rs967206854, ClinGen allele CA385671901.